The following is an entry in ClinVar:

NM_001035.3(RYR2):c.13689G>T (p.Glu4563Asp)

Gene: RYR2 (ryanodine receptor 2; plus strand). Cytogenetic location: 1q43.
Variant type: single nucleotide variant.
Coding change: c.13689G>T on transcript NM_001035.3 (MANE Select); coding-DNA position 13689, G replaced by T.
Protein change: p.Glu4563Asp; replaces glutamic acid 4563 with aspartic acid.
Molecular consequence: missense variant.
Genome position (GRCh38, 1-based): chr1:237,792,230, G>T. VCF-style: chr1-237792230-G-T. GRCh37 (hg19) VCF-style: chr1-237955530-G-T.
Other names: short protein forms E4563D.
Identifiers: ClinVar variation 1359679 (VCV001359679.9), dbSNP rs886039157, ClinGen allele CA345417525.

ClinVar aggregate classification (germline): Uncertain significance (1 of 4 stars; one submission).

Conditions:
Catecholaminergic polymorphic ventricular tachycardia 1. Also called: RYR2-Related Catecholaminergic Polymorphic Ventricular Tachycardia; VENTRICULAR TACHYCARDIA, CATECHOLAMINERGIC POLYMORPHIC, 1, WITH OR WITHOUT ATRIAL DYSFUNCTION AND/OR DILATED CARDIOMYOPATHY; VENTRICULAR TACHYCARDIA, STRESS-INDUCED POLYMORPHIC 1. Identifiers: Orphanet 3286, MedGen C1631597, MONDO:0011484, OMIM 604772.

Allele frequency attached by ClinVar (database versions not stated): TOPMed below 0.00001.

Submission:

Labcorp Genetics (formerly Invitae), Labcorp
Classification: Uncertain significance for Catecholaminergic polymorphic ventricular tachycardia 1. Last evaluated: 2021-06-07. Review status: criteria provided, single submitter. Criteria: Invitae Variant Classification Sherloc (09022015). Collection method: clinical testing. Allele origin: germline.
Comment: In summary, the available evidence is currently insufficient to determine the role of this variant in disease. Therefore, it has been classified as a Variant of Uncertain Significance. This sequence change replaces glutamic acid with aspartic acid at codon 4563 of the RYR2 protein (p.Glu4563Asp). The glutamic acid residue is highly conserved and there is a small physicochemical difference between glutamic acid and aspartic acid. This variant is not present in population databases (ExAC no frequency). This variant has not been reported in the literature in individuals with RYR2-related conditions. Advanced modeling of protein sequence and biophysical properties (such as structural, functional, and spatial information, amino acid conservation, physicochemical variation, residue mobility, and thermodynamic stability) performed at Invitae indicates that this missense variant is expected to disrupt RYR2 protein function.